The following is an entry in ClinVar:

ClinVar aggregate classification (germline): Benign/Likely benign. Review status: criteria provided, multiple submitters, no conflicts (2 of 4 stars). 4 submissions from 4 submitters: Benign (1); Likely benign (2). 1 of the submissions does not count toward it. Last evaluated 2026-07-01.

Conditions:
ABRAXAS1-related disorder. Also called: ABRAXAS1-related condition.

Allele frequency attached by ClinVar (database versions not stated): 1000 Genomes Project 0.00220; 1000 Genomes Project 30x 0.00234; ExAC 0.00382; gnomAD exomes 0.00388 and 0.00700; gnomAD 0.00464 and 0.00469; TOPMed 0.00485; ESP Exome Variant Server 0.00623.
gnomAD v4.1: 10,957 of 1,613,660 alleles (0.68%); highest among the groups gnomAD compares: Non-Finnish European, 0.84%; 46 homozygotes.

Submissions (4):

CeGaT Center for Human Genetics Tuebingen
Classification: Likely benign. Last evaluated: 2026-07-01. Review status: criteria provided, single submitter. Criteria: CeGaT Center For Human Genetics Tuebingen Variant Classification Criteria Version 2. Collection method: clinical testing. Allele origin: germline. Affected: yes. Observed: 41 variant alleles.
Comment: ABRAXAS1: BS2

Labcorp Genetics (formerly Invitae), Labcorp
Classification: Benign. Last evaluated: 2026-01-26. Review status: criteria provided, single submitter. Criteria: Invitae Variant Classification Sherloc (09022015). Collection method: clinical testing. Allele origin: germline.

GeneDx
Classification: Likely benign. Last evaluated: 2014-03-11. Review status: criteria provided, single submitter. Criteria: GeneDx Variant Classification (06012015). Collection method: clinical testing. Allele origin: germline. Affected: yes.
Comment: This variant is considered likely benign or benign based on one or more of the following criteria: it is a conservative change, it occurs at a poorly conserved position in the protein, it is predicted to be benign by multiple in silico algorithms, and/or has population frequency not consistent with disease.

PreventionGenetics, part of Exact Sciences
Classification: Likely benign for ABRAXAS1-related condition. Last evaluated: 2019-06-11. Review status: no assertion criteria provided. Collection method: clinical testing. Allele origin: germline. Not counted in ClinVar's aggregate classification.
Comment: This variant is classified as likely benign based on ACMG/AMP sequence variant interpretation guidelines (Richards et al. 2015 PMID: 25741868, with internal and published modifications).

NM_139076.3(ABRAXAS1):c.422C>T (p.Thr141Ile)

Gene: ABRAXAS1 (abraxas 1, BRCA1 A complex subunit; minus strand). Cytogenetic location: 4q21.23.
Variant type: single nucleotide variant.
Coding change: c.422C>T on transcript NM_139076.3 (MANE Select); coding-DNA position 422, C replaced by T.
Protein change: p.Thr141Ile; replaces threonine 141 with isoleucine.
Molecular consequence: missense variant.
Genome position (GRCh38, 1-based): chr4:83,470,257, G>A on the plus strand (C>T on the coding strand, the complement: ABRAXAS1 is on the minus strand). VCF-style: chr4-83470257-G-A. GRCh37 (hg19) VCF-style: chr4-84391410-G-A.
Other names: p.T141I:ACA>ATA; c.95C>T, p.Thr32Ile (NM_001345962.2); short protein forms T141I, T32I.
Identifiers: ClinVar variation 128222 (VCV000128222.54), dbSNP rs150207999, ClinGen allele CA288647.